The following is an entry in ClinVar:

NM_001042492.3(NF1):c.8378G>C (p.Gly2793Ala)

Gene: NF1 (neurofibromin 1; plus strand). Cytogenetic location: 17q11.2.
Variant type: single nucleotide variant.
Coding change: c.8378G>C on transcript NM_001042492.3 (MANE Select); coding-DNA position 8378, G replaced by C.
Protein change: p.Gly2793Ala; replaces glycine 2793 with alanine.
Molecular consequence: missense variant.
Genome position (GRCh38, 1-based): chr17:31,374,013, G>C. VCF-style: chr17-31374013-G-C. GRCh37 (hg19) VCF-style: chr17-29701031-G-C.
Other names: c.8315G>C, p.Gly2772Ala (NM_000267.4); short protein forms G2793A, G2772A.
Identifiers: ClinVar variation 822288 (VCV000822288.12), dbSNP rs1275285522, ClinGen allele CA399205846.

ClinVar aggregate classification (germline): Uncertain significance. Review status: criteria provided, multiple submitters, no conflicts (2 of 4 stars). 5 submissions from 5 submitters: Uncertain significance (5). Last evaluated 2026-02-15.

Conditions:
Cardiovascular phenotype. Identifiers: MedGen CN230736.
Hereditary cancer-predisposing syndrome. Also called: Hereditary Cancer Syndrome; Neoplastic Syndromes, Hereditary; Tumor predisposition; Hereditary neoplastic syndrome. Identifiers: Orphanet 140162, MedGen C0027672, MeSH D009386, MONDO:0015356.
Juvenile myelomonocytic leukemia (JMML). Also called: LEUKEMIA, JUVENILE MYELOMONOCYTIC, SOMATIC. Identifiers: Orphanet 86834, MedGen C0349639, MONDO:0011908, OMIM 607785, HP:0012209.
Neurofibromatosis, type 1 (NF1). Also called: VON RECKLINGHAUSEN DISEASE; Neurofibromatosis, type I; Peripheral type neurofibromatosis; NEUROFIBROMATOSIS, TYPE I, SOMATIC. Identifiers: Orphanet 636, MedGen C0027831, MONDO:0018975, OMIM 162200. Disease mechanism: loss of function.

Allele frequency attached by ClinVar (database versions not stated): gnomAD 0.00001; TOPMed 0.00001.
gnomAD v4.1: 1 of 1,613,886 alleles (0.000062%); highest among the groups gnomAD compares: African/African-American, 0.0013%; no homozygotes.

Submissions (5):

GeneDx
Classification: Uncertain significance. Last evaluated: 2026-02-15. Review status: criteria provided, single submitter. Criteria: GeneDx Variant Classification Process June 2021. Collection method: clinical testing. Allele origin: germline.
Comment: Not observed at significant frequency in large population cohorts (gnomAD); In silico analysis suggests that this missense variant does not alter protein structure/function; Has not been previously published as pathogenic or benign to our knowledge; This variant is associated with the following publications: (PMID: 25486365)

Baylor Genetics
Classification: Uncertain significance for Juvenile myelomonocytic leukemia. Last evaluated: 2023-12-15. Review status: criteria provided, single submitter. Criteria: ACMG Guidelines, 2015. Collection method: clinical testing. Allele origin: unknown.

Genome-Nilou Lab
Classification: Uncertain significance for Neurofibromatosis, type 1. Last evaluated: 2022-03-15. Review status: criteria provided, single submitter. Criteria: ACMG Guidelines, 2015. Collection method: clinical testing. Allele origin: germline. Affected: no.

Labcorp Genetics (formerly Invitae), Labcorp
Classification: Uncertain significance for Neurofibromatosis, type 1. Last evaluated: 2018-06-30. Review status: criteria provided, single submitter. Criteria: Invitae Variant Classification Sherloc (09022015). Collection method: clinical testing. Allele origin: germline.
Comment: In summary, the available evidence is currently insufficient to determine the role of this variant in disease. Therefore, it has been classified as a Variant of Uncertain Significance. Algorithms developed to predict the effect of sequence changes on RNA splicing suggest that this variant may disrupt the consensus splice site, but this prediction has not been confirmed by published transcriptional studies. Algorithms developed to predict the effect of missense changes on protein structure and function are either unavailable or do not agree on the potential impact of this missense change (SIFT: "Deleterious"; PolyPhen-2: "Probably Damaging"; Align-GVGD: "Class C0"). This variant has not been reported in the literature in individuals with NF1-related disease. This variant is not present in population databases (ExAC no frequency). This sequence change replaces glycine with alanine at codon 2772 of the NF1 protein (p.Gly2772Ala). The glycine residue is moderately conserved and there is a small physicochemical difference between glycine and alanine.

Ambry Genetics
Classification: Uncertain significance for Cardiovascular phenotype; Hereditary cancer-predisposing syndrome. Last evaluated: 2018-03-01. Review status: criteria provided, single submitter. Criteria: Ambry Variant Classification Scheme 2023. Collection method: clinical testing. Allele origin: germline.
Comment: The p.G2772A variant (also known as c.8315G>C) is located in coding exon 57 of the NF1 gene. The glycine at codon 2772 is replaced by alanine, an amino acid with similar properties. This change occurs in the first base pair of coding exon 57. This nucleotide position is highly conserved in available vertebrate species. This amino acid position is highly conserved in available vertebrate species. In addition, this alteration is predicted to be tolerated by in silico analysis. Since supporting evidence is limited at this time, the clinical significance of this alteration remains unclear.